The following is an entry in ClinVar:

ClinVar aggregate classification (germline): Uncertain significance. Review status: criteria provided, multiple submitters, no conflicts (2 of 4 stars). 5 submissions from 5 submitters: Uncertain significance (5). Last evaluated 2025-09-29.

Conditions:
Endometrial carcinoma. Also called: Endometrial carcinoma, somatic. Identifiers: MedGen C0476089, MONDO:0002447, OMIM 608089, HP:0012114.
Hereditary nonpolyposis colorectal neoplasms. Identifiers: MedGen C0009405, MeSH D003123.
Hereditary cancer-predisposing syndrome. Also called: Neoplastic Syndromes, Hereditary; Tumor predisposition; Hereditary neoplastic syndrome; Hereditary Cancer Syndrome. Identifiers: Orphanet 140162, MedGen C0027672, MeSH D009386, MONDO:0015356.

Allele frequency attached by ClinVar (database versions not stated): gnomAD exomes below 0.00001.
gnomAD v4.1: 1 of 1,614,146 alleles (0.000062%); highest among the groups gnomAD compares: Non-Finnish European, 0.000085%; no homozygotes.

Submissions (5):

Ambry Genetics
Classification: Uncertain significance for Hereditary cancer-predisposing syndrome. Last evaluated: 2025-09-29. Review status: criteria provided, single submitter. Criteria: Ambry Variant Classification Scheme 2023. Collection method: clinical testing. Allele origin: germline.
Comment: The p.I1170V variant (also known as c.3508A>G), located in coding exon 6 of the MSH6 gene, results from an A to G substitution at nucleotide position 3508. The isoleucine at codon 1170 is replaced by valine, an amino acid with highly similar properties. This amino acid position is not well conserved in available vertebrate species, and valine is the reference amino acid in other vertebrate species. In addition, this alteration is predicted to be tolerated by in silico analysis. Based on the available evidence, the clinical significance of this variant remains unclear.

Baylor Genetics
Classification: Uncertain significance for Endometrial carcinoma. Last evaluated: 2024-01-05. Review status: criteria provided, single submitter. Criteria: ACMG Guidelines, 2015. Collection method: clinical testing. Allele origin: unknown.

GeneDx
Classification: Uncertain significance. Last evaluated: 2022-11-22. Review status: criteria provided, single submitter. Criteria: GeneDx Variant Classification Process June 2021. Collection method: clinical testing. Allele origin: germline. Affected: yes.
Comment: Not observed at significant frequency in large population cohorts (gnomAD); In silico analysis supports that this missense variant does not alter protein structure/function; Has not been previously published as pathogenic or benign to our knowledge; This variant is associated with the following publications: (PMID: 17531815, 21120944)

Labcorp Genetics (formerly Invitae), Labcorp
Classification: Uncertain significance for Hereditary nonpolyposis colorectal neoplasms. Last evaluated: 2019-04-05. Review status: criteria provided, single submitter. Criteria: Invitae Variant Classification Sherloc (09022015). Collection method: clinical testing. Allele origin: germline.
Comment: This sequence change replaces isoleucine with valine at codon 1170 of the MSH6 protein (p.Ile1170Val). The isoleucine residue is weakly conserved and there is a small physicochemical difference between isoleucine and valine. This variant is not present in population databases (ExAC no frequency). This variant has not been reported in the literature in individuals with MSH6-related conditions. Algorithms developed to predict the effect of missense changes on protein structure and function output the following: SIFT: "Tolerated"; PolyPhen-2: "Benign"; Align-GVGD: "Class C0". The valine amino acid residue is found in multiple mammalian species, suggesting that this missense change does not adversely affect protein function. These predictions have not been confirmed by published functional studies and their clinical significance is uncertain. In summary, the available evidence is currently insufficient to determine the role of this variant in disease. Therefore, it has been classified as a Variant of Uncertain Significance.

Color Diagnostics, LLC DBA Color Health
Classification: Uncertain significance for Hereditary cancer-predisposing syndrome. Last evaluated: 2019-01-18. Review status: criteria provided, single submitter. Criteria: ACMG Guidelines, 2015. Collection method: clinical testing. Allele origin: germline.

NM_000179.3(MSH6):c.3508A>G (p.Ile1170Val)

Gene: MSH6 (mutS homolog 6; plus strand). Cytogenetic location: 2p16.3.
Variant type: single nucleotide variant.
Coding change: c.3508A>G on transcript NM_000179.3 (MANE Select); coding-DNA position 3508, A replaced by G.
Protein change: p.Ile1170Val; replaces isoleucine 1170 with valine.
Molecular consequence: missense variant.
Genome position (GRCh38, 1-based): chr2:47,804,979, A>G. VCF-style: chr2-47804979-A-G. GRCh37 (hg19) VCF-style: chr2-48032118-A-G.
Other names: c.3118A>G, p.Ile1040Val (NM_001281492.2); c.2602A>G, p.Ile868Val (NM_001281493.2, NM_001281494.2); short protein forms I1170V, I1040V, I868V.
Identifiers: ClinVar variation 630085 (VCV000630085.18), dbSNP rs1558389423, ClinGen allele CA346760184.